The following is an entry in ClinVar:

ClinVar aggregate classification (germline): Pathogenic. Review status: reviewed by expert panel (3 of 4 stars). 9 submissions from 9 submitters: Pathogenic (1). 8 of the submissions do not count toward it. Last evaluated 2016-10-18.

Conditions:
Hereditary cancer-predisposing syndrome. Also called: Tumor predisposition; Neoplastic Syndromes, Hereditary; Hereditary Cancer Syndrome; Hereditary neoplastic syndrome. Identifiers: Orphanet 140162, MedGen C0027672, MeSH D009386, MONDO:0015356.
Hereditary breast ovarian cancer syndrome. Also called: Hereditary breast and ovarian cancer; Hereditary breast and/or ovarian cancer syndrome; Hereditary breast and ovarian cancer syndrome (HBOC); Hereditary breast and ovarian cancer syndrome; Breast and ovarian cancer; BRCA1- and BRCA2-Associated Hereditary Breast and Ovarian Cancer. Identifiers: Orphanet 145, MedGen C0677776, MeSH D061325, MONDO:0003582. Disease mechanism: loss of function.
Breast-ovarian cancer, familial, susceptibility to, 2 (BROVCA2). Also called: BRCA2 Hereditary Breast and Ovarian Cancer. Identifiers: Orphanet 145, MedGen C2675520, MONDO:0012933, OMIM 612555. Disease mechanism: loss of function.

Submissions (9):

Evidence-based Network for the Interpretation of Germline Mutant Alleles (ENIGMA)
Classification: Pathogenic for Breast-ovarian cancer, familial, susceptibility to, 2. Last evaluated: 2016-10-18. Review status: reviewed by expert panel. Criteria: ENIGMA BRCA1/2 Classification Criteria (2015). Collection method: curation. Allele origin: germline.
Comment: Variant allele predicted to encode a truncated non-functional protein.

Women's Health and Genetics/Laboratory Corporation of America, LabCorp
Classification: Pathogenic for Hereditary breast ovarian cancer syndrome. Last evaluated: 2026-02-27. Review status: criteria provided, single submitter. Criteria: LabCorp Variant Classification Summary - May 2015. Collection method: clinical testing. Allele origin: germline. Not counted in ClinVar's aggregate classification.
Comment: Variant summary: BRCA2 c.5110_5113delAGAA (p.Arg1704X) results in a premature termination codon, predicted to cause a truncation of the encoded protein or absence of the protein due to nonsense mediated decay, which are commonly known mechanisms for disease. The variant allele was found at a frequency of 8.7e-06 in 231206 control chromosomes. c.5110_5113delAGAA has been observed in at-least two individuals affected with thyroid carcinoma (examples, Schrader_2016). These data indicate that the variant may be associated with disease. To our knowledge, no experimental evidence demonstrating an impact on protein function has been reported. The following publication has been ascertained in the context of this evaluation (PMID: 26556299). ClinVar contains an entry for this variant (Variation ID: 246151). Based on the evidence outlined above, the variant was classified as pathogenic.

Color Diagnostics, LLC DBA Color Health
Classification: Pathogenic for Hereditary cancer-predisposing syndrome. Last evaluated: 2025-09-15. Review status: criteria provided, single submitter. Criteria: ACMG Guidelines, 2015. Collection method: clinical testing. Allele origin: germline. Not counted in ClinVar's aggregate classification.
Comment: This variant deletes 4 nucleotides in exon 11 of the BRCA2 gene, creating a frameshift and premature translation stop signal. This variant is expected to result in an absent or non-functional protein product. This variant has been reported in a breast cancer case-control study in 1/7051 female breast cancer cases and absent in 11241 unaffected individuals (PMID: 30287823), in a suspected hereditary breast and ovarian cancer family (PMID: 31209999) and an individual affected with hepatocellular carcinoma (PMID: 33807840). This variant has been identified in 2/231206 chromosomes in the general population by the Genome Aggregation Database (gnomAD). Loss of BRCA2 function is a known mechanism of disease. Based on the available evidence, this variant is classified as Pathogenic.

Ambry Genetics
Classification: Pathogenic for Hereditary cancer-predisposing syndrome. Last evaluated: 2022-12-28. Review status: criteria provided, single submitter. Criteria: Ambry Variant Classification Scheme 2023. Collection method: clinical testing. Allele origin: germline. Not counted in ClinVar's aggregate classification.
Comment: The c.5110_5113delAGAA pathogenic mutation, located in coding exon 10 of the BRCA2 gene, results from a deletion of 4 nucleotides at nucleotide positions 5110 to 5113, causing a translational frameshift with a predicted alternate stop codon (p.R1704*). This alteration is expected to result in loss of function by premature protein truncation or nonsense-mediated mRNA decay. As such, this alteration is interpreted as a disease-causing mutation.

Labcorp Genetics (formerly Invitae), Labcorp
Classification: Pathogenic for Hereditary breast ovarian cancer syndrome. Last evaluated: 2021-07-29. Review status: criteria provided, single submitter. Criteria: Invitae Variant Classification Sherloc (09022015). Collection method: clinical testing. Allele origin: germline. Not counted in ClinVar's aggregate classification.
Comment: For these reasons, this variant has been classified as Pathogenic. Loss-of-function variants in BRCA2 are known to be pathogenic (PMID: 20104584). This variant has been reported in an individual affected with thyroid carcinoma (PMID: 26556299). ClinVar contains an entry for this variant (Variation ID: 246151). This variant is not present in population databases (ExAC no frequency). This sequence change creates a premature translational stop signal (p.Arg1704*) in the BRCA2 gene. It is expected to result in an absent or disrupted protein product.

Quest Diagnostics Nichols Institute San Juan Capistrano
Classification: Pathogenic. Last evaluated: 2021-06-16. Review status: criteria provided, single submitter. Criteria: Quest Diagnostics criteria. Collection method: clinical testing. Allele origin: unknown. Not counted in ClinVar's aggregate classification.
Comment: This frameshift variant causes the premature termination of BRCA2 protein synthesis. In addition, it has been reported in individuals affected with different forms of cancer in the published literature (PMID: 26556299 (2016), 33807840 (2021)). Based on the available information, this variant is classified as pathogenic.

GeneDx
Classification: Pathogenic. Last evaluated: 2020-06-10. Review status: criteria provided, single submitter. Criteria: GeneDx Variant Classification Process June 2021. Collection method: clinical testing. Allele origin: germline. Affected: yes. Not counted in ClinVar's aggregate classification.
Comment: Nonsense variant predicted to result in protein truncation or nonsense mediated decay in a gene for which loss-of-function is a known mechanism of disease; Not observed at a significant frequency in large population cohorts (Lek 2016); Observed in individuals with breast and other cancers (Schrader 2016, Fostira 2020); Truncating variants in this gene are considered pathogenic by a well-established clinical consortium and/or database; Also known as c.5338_5341delAGAA; This variant is associated with the following publications: (PMID: 30720243, 26556299, 31209999, 31300551)

Consortium of Investigators of Modifiers of BRCA1/2 (CIMBA), c/o University of Cambridge
Classification: Pathogenic for Breast-ovarian cancer, familial, susceptibility to, 2. Last evaluated: 2015-10-02. Review status: criteria provided, single submitter. Criteria: CIMBA Mutation Classification guidelines May 2016. Collection method: clinical testing. Allele origin: germline. Not counted in ClinVar's aggregate classification.

Counsyl
Classification: Likely pathogenic for Breast-ovarian cancer, familial, susceptibility to, 2. Last evaluated: 2017-01-03. Review status: no assertion criteria provided. Collection method: clinical testing. Allele origin: unknown. Not counted in ClinVar's aggregate classification.

Literature cited by the submitters: PubMed 26556299 (cited by 4 submitters); PubMed 30287823 (cited by Color Diagnostics, LLC DBA Color Health); PubMed 31209999 (cited by Color Diagnostics, LLC DBA Color Health and Quest Diagnostics Nichols Institute San Juan Capistrano); PubMed 33807840 (cited by Color Diagnostics, LLC DBA Color Health and Quest Diagnostics Nichols Institute San Juan Capistrano); PubMed 20104584 (cited by Labcorp Genetics (formerly Invitae), Labcorp); PubMed 30720243 (cited by Quest Diagnostics Nichols Institute San Juan Capistrano).

NM_000059.4(BRCA2):c.5110_5113del (p.Glu1703_Arg1704insTer)

Gene: BRCA2 (BRCA2 DNA repair associated; plus strand). Cytogenetic location: 13q13.1.
Variant type: Microsatellite.
Coding change: c.5110_5113del on transcript NM_000059.4 (MANE Select); coding-DNA positions 5110 to 5113, 4 bases deleted (AGAA; older notation c.5110_5113delAGAA).
Protein change: p.Glu1703_Arg1704insTer.
Molecular consequence: nonsense.
Genome position (GRCh38, 1-based): chr13:32,339,465-32,339,468, AGAA deleted; deleting any 4 consecutive bases within chr13:32,339,461-32,339,468 gives the same sequence; the c. name uses the placement nearest the transcript's 3' end. VCF-style (leftmost placement, unchanged base first): chr13-32339460-CAGAA-C. GRCh37 (hg19) VCF-style: chr13-32913597-CAGAA-C.
Other names: 5338delAGAA; c.5110_5113delAGAA (NM_000059.3, NM_000059.4).
Identifiers: ClinVar variation 246151 (VCV000246151.31), dbSNP rs879254123, ClinGen allele CA10584448.
Genomic context (GRCh38, chr13:32,339,460, plus strand): 5'-GTCAGACTTCATTACTTGAAGCAAAAAAATGGCTTAGAGAAGGAATATTTGATGGTCAAC[CAGAA>C]AGAATAAATACTGCAGATTATGTAGGAAATTATTTGTATGAAAATAATTCAAACAGTACT-3'